The following is an entry in ClinVar:

NM_000295.5(SERPINA1):c.917+1G>A

Gene: SERPINA1 (serpin family A member 1; minus strand). Cytogenetic location: 14q32.13.
Variant type: single nucleotide variant.
Coding change: c.917+1G>A on transcript NM_000295.5 (MANE Select); the canonical splice donor site of the intron after coding-DNA position 917, G replaced by A.
Molecular consequence: splice donor variant.
Genome position (GRCh38, 1-based): chr14:94,380,870, C>T on the plus strand (G>A on the coding strand, the complement: SERPINA1 is on the minus strand). VCF-style: chr14-94380870-C-T. GRCh37 (hg19) VCF-style: chr14-94847207-C-T.
Other names: c.917+1G>A (NM_001127705.2, NM_001002236.3, NM_001127700.2 and 7 more transcripts).
Identifiers: ClinVar variation 3704457 (VCV003704457.3).

ClinVar aggregate classification (germline): Pathogenic (1 of 4 stars; one submission).

Conditions:
Alpha-1-antitrypsin deficiency (A1ATD). Also called: AAT deficiency; A1AT deficiency; Alpha1-Antitrypsin Deficiency. Identifiers: Orphanet 60, MedGen C0221757, MONDO:0013282, OMIM 613490.

gnomAD v4.1: 4 of 1,614,126 alleles (0.00025%); highest among the groups gnomAD compares: African/African-American, 0.004%; no homozygotes.

Submission:

Labcorp Genetics (formerly Invitae), Labcorp
Classification: Pathogenic for Alpha-1-antitrypsin deficiency. Last evaluated: 2024-02-14. Review status: criteria provided, single submitter. Criteria: Invitae Variant Classification Sherloc (09022015). Collection method: clinical testing. Allele origin: germline.
Comment: This sequence change affects a donor splice site in intron 3 of the SERPINA1 gene. It is expected to disrupt RNA splicing. Variants that disrupt the donor or acceptor splice site typically lead to a loss of protein function (PMID: 16199547), and loss-of-function variants in SERPINA1 are known to be pathogenic (PMID: 25425243). This variant is present in population databases (rs750779440, gnomAD 0.008%). Disruption of this splice site has been observed in individuals with SERPINA1-related conditions (PMID: 30223862, 31307431). Algorithms developed to predict the effect of sequence changes on RNA splicing suggest that this variant may disrupt the consensus splice site. For these reasons, this variant has been classified as Pathogenic.

Literature cited by the submitters: PubMed 16199547; PubMed 25425243; PubMed 30223862; PubMed 31307431.